The following is an entry in ClinVar:

ClinVar aggregate classification (germline): Uncertain significance (1 of 4 stars; one submission).

Allele frequency attached by ClinVar (database versions not stated): gnomAD exomes below 0.00001.
gnomAD v4.1: 2 of 1,613,780 alleles (0.00012%); highest among the groups gnomAD compares: African/African-American, 0.0027%; no homozygotes.

Submission:

GeneDx
Classification: Uncertain significance. Last evaluated: 2022-08-11. Review status: criteria provided, single submitter. Criteria: GeneDx Variant Classification Process June 2021. Collection method: clinical testing. Allele origin: germline. Affected: yes.
Comment: Not observed at significant frequency in large population cohorts (gnomAD); In silico analysis supports that this missense variant has a deleterious effect on protein structure/function; Has not been previously published as pathogenic or benign to our knowledge

NM_001003694.2(BRPF1):c.797C>T (p.Pro266Leu)

Gene: BRPF1 (bromodomain and PHD finger containing 1; plus strand). Cytogenetic location: 3p25.3.
Variant type: single nucleotide variant.
Coding change: c.797C>T on transcript NM_001003694.2 (MANE Select); coding-DNA position 797, C replaced by T.
Protein change: p.Pro266Leu; replaces proline 266 with leucine.
Molecular consequence: missense variant. On other transcripts: non-coding transcript variant (1).
Genome position (GRCh38, 1-based): chr3:9,739,196, C>T. VCF-style: chr3-9739196-C-T. GRCh37 (hg19) VCF-style: chr3-9780880-C-T.
Other names: c.797C>T, p.Pro266Leu (NM_001319049.2, NM_001319050.2, NM_001410704.1 and 1 more transcripts); short protein forms P266L.
Identifiers: ClinVar variation 2429690 (VCV002429690.1), dbSNP rs2471470040, ClinGen allele CA351685030.
Genomic context (GRCh38, chr3:9,739,196, plus strand): 5'-AGTACCTAATGGACCGACTGGAGAAGGAGTCGTACTTTGAGAGTCATAATAAAGGCGACC[C>T]TAATGCGCTAGTGGACGAGGATGCTGTTTGCTGTATCTGCAATGATGGTGAGTGCCAGAA-3'
Protein context (NP_001003694.1, residues 256-276): SYFESHNKGD[Pro266Leu]NALVDEDAVC